The following is an entry in ClinVar:

ClinVar aggregate classification (germline): Likely benign (0 of 4 stars; one submission).

Conditions:
CRB2-related disorder. Also called: CRB2-related disorders; CRB2-related condition.

Allele frequency attached by ClinVar (database versions not stated): ExAC 0.00003; TOPMed 0.00003; ESP Exome Variant Server 0.00008.
gnomAD v4.1: 15 of 1,612,404 alleles (0.00093%); highest among the groups gnomAD compares: Middle Eastern, 0.033%; no homozygotes.

Submission:

PreventionGenetics, part of Exact Sciences
Classification: Likely benign for CRB2-related condition. Last evaluated: 2022-12-12. Review status: no assertion criteria provided. Collection method: clinical testing. Allele origin: germline.
Comment: This variant is classified as likely benign based on ACMG/AMP sequence variant interpretation guidelines (Richards et al. 2015 PMID: 25741868, with internal and published modifications).

NM_173689.7(CRB2):c.3555G>C (p.Gly1185=)

Gene: CRB2 (crumbs cell polarity complex component 2; plus strand). Cytogenetic location: 9q33.3.
Variant type: single nucleotide variant.
Coding change: c.3555G>C on transcript NM_173689.7 (MANE Select); coding-DNA position 3555, G replaced by C.
Protein change: p.Gly1185=; no amino-acid change (glycine 1185 retained).
Molecular consequence: synonymous variant. On other transcripts: non-coding transcript variant (1).
Genome position (GRCh38, 1-based): chr9:123,375,265, G>C. VCF-style: chr9-123375265-G-C. GRCh37 (hg19) VCF-style: chr9-126137544-G-C.
Identifiers: ClinVar variation 3030582 (VCV003030582.2), dbSNP rs145132132, ClinGen allele CA5232533.